The following is an entry in ClinVar:

ClinVar aggregate classification (germline): Likely pathogenic (1 of 4 stars; one submission).

Conditions:
Muscular dystrophy, limb-girdle, autosomal recessive 23. Identifiers: Orphanet 565837, MedGen C4748327, MONDO:0029136, OMIM 618138.

Submission:

Foundation for Research in Genetics and Endocrinology, FRIGE's Institute of Human Genetics
Classification: Likely pathogenic for Muscular dystrophy, limb-girdle, autosomal recessive 23. Last evaluated: 2019-06-24. Review status: criteria provided, single submitter. Criteria: ACMG Guidelines, 2015. Collection method: clinical testing. Allele origin: inherited. Inheritance: Autosomal recessive inheritance. Affected: yes. Observed: 1 heterozygote.
Comment: A heterozygous variant c.2877_2878dup (p.Ser960TyrfsTer116) in Exon-21 has been observed in the LAMA2 gene. The variant has not been reported in the 1000 genomes database and in the ExAC databases. The in-silico prediction of the variant is damaging by MutationTaster2. In summary, the said variant meets our criteria to be classified as likely pathogenic based on the mode of inheritance and in silico prediction.

NM_000426.4(LAMA2):c.2877_2878dup (p.Ser960fs)

Gene: LAMA2 (laminin subunit alpha 2; plus strand). Cytogenetic location: 6q22.33.
Variant type: Duplication.
Coding change: c.2877_2878dup on transcript NM_000426.4 (MANE Select); coding-DNA positions 2877 to 2878, 2 bases duplicated (AT; older notation c.2877_2878dupAT).
Protein change: p.Ser960fs; shifts the reading frame from serine 960.
Molecular consequence: frameshift variant.
Genome position (GRCh38, 1-based): chr6:129,297,705-129,297,706, AT duplicated. VCF-style (leftmost placement, unchanged base first): chr6-129297704-A-AAT. GRCh37 (hg19) VCF-style: chr6-129618849-A-AAT.
Other names: p.Ser960TyrfsTer116; c.2877_2878dup, p.Ser960fs (NM_001079823.2); short protein forms S960fs.
Identifiers: ClinVar variation 2446462 (VCV002446462.2), dbSNP rs2482334733, ClinGen allele CA2580074944.